The following is an entry in ClinVar:

ClinVar aggregate classification (germline): Pathogenic. Review status: criteria provided, multiple submitters, no conflicts (2 of 4 stars). 2 submissions from 2 submitters: Pathogenic (2). Last evaluated 2025-06-04.

Conditions:
Gaucher disease. Also called: Acute cerebral Gaucher disease; Cerebroside lipidosis syndrome; Gaucher splenomegaly; Sphingolipidosis 1; Glucocerebrosidosis; Glucosylceramidase deficiency. Identifiers: Orphanet 355, MedGen C0017205, MONDO:0018150.

Submissions (2):

Natera, Inc.
Classification: Pathogenic for Gaucher disease. Last evaluated: 2025-06-04. Review status: criteria provided, single submitter. Criteria: Natera Variant Classification Schema (03/2026). Collection method: clinical testing. Allele origin: germline.
Comment: The c.898delG variant in GBA1 is a frameshift variant predicted to shift the reading frame beginning at codon 300 and leads to a stop codon 4 codons downstream. This variant is expected to result in nonsense mediated decay, truncation, or a dysfunctional protein product. This variant is rare in the general population with a frequency below the threshold expected for the associated phenotype(s). This variant has been observed in one or more individuals affected with the associated recessive disease, as either homozygous or compound heterozygous with a second variant (PMID: 16185907). Given the available evidence, this variant is classified as Pathogenic.

Women's Health and Genetics/Laboratory Corporation of America, LabCorp
Classification: Pathogenic for Gaucher disease. Last evaluated: 2022-06-06. Review status: criteria provided, single submitter. Criteria: LabCorp Variant Classification Summary - May 2015. Collection method: clinical testing. Allele origin: germline.
Comment: Variant summary: GBA c.898delG (p.Ala300ProfsX4) results in a premature termination codon, predicted to cause a truncation of the encoded protein or absence of the protein due to nonsense mediated decay, which are commonly known mechanisms for disease. Truncations downstream of this position have been classified as pathogenic by our laboratory. The variant was absent in 251190 control chromosomes. c.898delG has been reported in the literature in at least one individual affected with Gaucher Disease. These data do not allow any conclusion about variant significance. To our knowledge, no experimental evidence demonstrating an impact on protein function has been reported. No clinical diagnostic laboratories have submitted clinical-significance assessments for this variant to ClinVar after 2014. Based on the evidence outlined above, the variant was classified as pathogenic.

Literature cited by the submitters: PubMed 16185907 (cited by Natera, Inc. and Women's Health and Genetics/Laboratory Corporation of America, LabCorp).

NM_000157.4(GBA1):c.898del (p.Ala300fs)

Genes: GBA1 (glucosylceramidase beta 1; minus strand), LOC106627981 (GBA recombination region; plus strand). Cytogenetic location: 1q22.
Variant type: Deletion.
Coding change: c.898del on transcript NM_000157.4 (MANE Select); coding-DNA position 898, one base deleted (G; older notation c.898delG).
Protein change: p.Ala300fs; shifts the reading frame from alanine 300.
Molecular consequence: frameshift variant.
Genome position (GRCh38, 1-based): chr1:155,237,442, C deleted on the plus strand (G on the coding strand, the reverse complement: GBA1 is on the minus strand). VCF-style (leftmost placement, unchanged base first): chr1-155237441-GC-G. GRCh37 (hg19) VCF-style: chr1-155207232-GC-G.
Other names: c.751del, p.Ala251fs (NM_001171812.2); c.898delG (NM_000157.3); c.898del, p.Ala300fs (NM_001005741.3, NM_001005742.3); c.637del, p.Ala213fs (NM_001171811.2); short protein forms A213fs, A251fs, A300fs.
Identifiers: ClinVar variation 1698486 (VCV001698486.2), dbSNP rs2148075419, ClinGen allele CA2580061128.